The following is an entry in ClinVar:

ClinVar aggregate classification (germline): Uncertain significance (1 of 4 stars; one submission).

Conditions:
Gorlin syndrome. Also called: Nevoid Basal Cell Carcinoma Syndrome; Basal cell nevus syndrome. Identifiers: Orphanet 377, MedGen C0004779, MONDO:0007187.

Allele frequency attached by ClinVar (database versions not stated): gnomAD exomes 0.00001; ExAC 0.00002; TOPMed 0.00002; 1000 Genomes Project 30x 0.00031; 1000 Genomes Project 0.00040.

Submission:

Labcorp Genetics (formerly Invitae), Labcorp
Classification: Uncertain significance for Gorlin syndrome. Last evaluated: 2023-09-12. Review status: criteria provided, single submitter. Criteria: Invitae Variant Classification Sherloc (09022015). Collection method: clinical testing. Allele origin: germline.
Comment: In summary, the available evidence is currently insufficient to determine the role of this variant in disease. Therefore, it has been classified as a Variant of Uncertain Significance. Advanced modeling of protein sequence and biophysical properties (such as structural, functional, and spatial information, amino acid conservation, physicochemical variation, residue mobility, and thermodynamic stability) performed at Invitae indicates that this missense variant is not expected to disrupt PTCH2 protein function. This variant has not been reported in the literature in individuals affected with PTCH2-related conditions. This variant is present in population databases (rs201914931, gnomAD 0.006%). This sequence change replaces arginine, which is basic and polar, with cysteine, which is neutral and slightly polar, at codon 74 of the PTCH2 protein (p.Arg74Cys).

NM_003738.5(PTCH2):c.220C>T (p.Arg74Cys)

Gene: PTCH2 (patched 2; minus strand). Cytogenetic location: 1p34.1.
Variant type: single nucleotide variant.
Coding change: c.220C>T on transcript NM_003738.5 (MANE Select); coding-DNA position 220, C replaced by T.
Protein change: p.Arg74Cys; replaces arginine 74 with cysteine.
Molecular consequence: missense variant.
Genome position (GRCh38, 1-based): chr1:44,841,892, G>A on the plus strand (C>T on the coding strand, the complement: PTCH2 is on the minus strand). VCF-style: chr1-44841892-G-A. GRCh37 (hg19) VCF-style: chr1-45307564-G-A.
Other names: c.220C>T, p.Arg74Cys (NM_001166292.2); short protein forms R74C.
Identifiers: ClinVar variation 2722842 (VCV002722842.3), dbSNP rs201914931, ClinGen allele CA823720.
Genomic context (GRCh38, chr1:44,841,892, plus strand): 5'-GTGTCCACAACTTACCTTCTACCCAGAGCTGTTCCAAGTTTGTCTCAATAATGGCCATGC[G>A]GAGACCTAATGCCAGGGCCCCAAAGGCCAACAGTCCCAGAAAGAGCACTTTGCCACAATG-3'
Protein context (NP_003729.3, residues 64-84): LAFGALALGL[Arg74Cys]MAIIETNLEQ